The following is an entry in ClinVar:

NM_015294.6(TRIM37):c.2824A>C (p.Ser942Arg)

Gene: TRIM37 (tripartite motif containing 37; minus strand). Cytogenetic location: 17q22.
Variant type: single nucleotide variant.
Coding change: c.2824A>C on transcript NM_015294.6 (MANE Select); coding-DNA position 2824, A replaced by C.
Protein change: p.Ser942Arg; replaces serine 942 with arginine.
Molecular consequence: missense variant. On other transcripts: non-coding transcript variant (2).
Genome position (GRCh38, 1-based): chr17:58,999,448, T>G on the plus strand (A>C on the coding strand, the complement: TRIM37 is on the minus strand). VCF-style: chr17-58999448-T-G. GRCh37 (hg19) VCF-style: chr17-57076809-T-G.
Other names: c.2824A>C (NM_015294.3); c.2824A>C, p.Ser942Arg (NM_001005207.5); c.2722A>C, p.Ser908Arg (NM_001320987.3); c.2707A>C, p.Ser903Arg (NM_001320988.3, NM_001320989.3); c.2341A>C, p.Ser781Arg (NM_001320990.3); c.2749A>C, p.Ser917Arg (NM_001353082.2); c.2089A>C, p.Ser697Arg (NM_001353083.2); c.2851A>C, p.Ser951Arg (NM_001353084.2); and 2 more; short protein forms S781R, S697R, S942R, S788R, S917R, S951R, S903R, S908R.
Identifiers: ClinVar variation 2072126 (VCV002072126.4), dbSNP rs149684009, ClinGen allele CA8677913.
Genomic context (GRCh38, chr17:58,999,448, plus strand): 5'-TATTTTCATCTGTATTGAAGCTGAGATCTTCAGGGCCTATTTGTTCACCATCAGGAAAAC[T>G]GGAATGTGTATCTATGATTAAAAAATAAATAAAAAATTTAAAATTTAAAAGCATATAACA-3'
Protein context (NP_056109.1, residues 932-952): TQPPDEDTHS[Ser942Arg]FPDGEQIGPE

ClinVar aggregate classification (germline): Uncertain significance. Review status: criteria provided, multiple submitters, no conflicts (2 of 4 stars). 3 submissions from 3 submitters: Uncertain significance (3). Last evaluated 2024-11-20.

Conditions:
Inborn genetic diseases. Identifiers: MedGen C0950123, MeSH D030342.
Mulibrey nanism syndrome. Also called: MUSCLE-LIVER-BRAIN-EYE NANISM; PERHEENTUPA SYNDROME; PERICARDIAL CONSTRICTION AND GROWTH FAILURE. Identifiers: Orphanet 2576, MedGen C0524582, MONDO:0009664, OMIM 253250.

Allele frequency attached by ClinVar (database versions not stated): ExAC 0.00007; gnomAD 0.00013; ESP Exome Variant Server 0.00015; 1000 Genomes Project 0.00020; TOPMed 0.00021; 1000 Genomes Project 30x 0.00031.
gnomAD v4.1: 49 of 1,612,818 alleles (0.003%); highest among the groups gnomAD compares: African/African-American, 0.063%; no homozygotes.

Submissions (3):

Ambry Genetics
Classification: Uncertain significance for Inborn genetic diseases. Last evaluated: 2024-11-20. Review status: criteria provided, single submitter. Criteria: Ambry Variant Classification Scheme 2023. Collection method: clinical testing. Allele origin: germline.

St. Jude Molecular Pathology, St. Jude Children's Research Hospital
Classification: Uncertain significance for Mulibrey nanism syndrome. Last evaluated: 2024-08-23. Review status: criteria provided, single submitter. Criteria: St. Jude Assertion Criteria 2020. Collection method: clinical testing. Allele origin: germline.
Comment: The TRIM37 c.2824A>C (p.Ser942Arg) missense change has a maximum subpopulation frequency of 0.06% in gnomAD v2.1.1. The in silico tool REVEL predicts a benign effect on protein function, but to our knowledge this prediction has not been confirmed by functional studies. To our knowledge, this variant has not been reported in individuals with Mulibrey nanism. In summary, the evidence currently available is insufficient to determine the clinical significance of this variant. It has therefore been classified as of uncertain significance.

Labcorp Genetics (formerly Invitae), Labcorp
Classification: Uncertain significance. Last evaluated: 2022-04-19. Review status: criteria provided, single submitter. Criteria: Invitae Variant Classification Sherloc (09022015). Collection method: clinical testing. Allele origin: germline.
Comment: This sequence change replaces serine, which is neutral and polar, with arginine, which is basic and polar, at codon 942 of the TRIM37 protein (p.Ser942Arg). This variant is present in population databases (rs149684009, gnomAD 0.06%). This variant has not been reported in the literature in individuals affected with TRIM37-related conditions. Algorithms developed to predict the effect of missense changes on protein structure and function are either unavailable or do not agree on the potential impact of this missense change (SIFT: "Not Available"; PolyPhen-2: "Benign"; Align-GVGD: "Not Available"). In summary, the available evidence is currently insufficient to determine the role of this variant in disease. Therefore, it has been classified as a Variant of Uncertain Significance.